The following is an entry in ClinVar:

ClinVar aggregate classification (germline): Uncertain significance. Review status: criteria provided, multiple submitters, no conflicts (2 of 4 stars). 2 submissions from 2 submitters: Uncertain significance (2). Last evaluated 2024-05-01.

Conditions:
Cardiovascular phenotype. Identifiers: MedGen CN230736.

Allele frequency attached by ClinVar (database versions not stated): gnomAD 0.00001.
gnomAD v4.1: 1 of 1,614,052 alleles (0.000062%); highest among the groups gnomAD compares: African/African-American, 0.0013%; no homozygotes.

Submissions (2):

GeneDx
Classification: Uncertain significance. Last evaluated: 2024-05-01. Review status: criteria provided, single submitter. Criteria: GeneDx Variant Classification Process June 2021. Collection method: clinical testing. Allele origin: germline. Affected: yes.
Comment: Not observed at significant frequency in large population cohorts (gnomAD); In silico analysis supports that this missense variant has a deleterious effect on protein structure/function; Has not been previously published as pathogenic or benign to our knowledge

Ambry Genetics
Classification: Uncertain significance for Cardiovascular phenotype. Last evaluated: 2021-01-05. Review status: criteria provided, single submitter. Criteria: Ambry Variant Classification Scheme 2023. Collection method: clinical testing. Allele origin: germline.
Comment: The p.P3798A variant (also known as c.11392C>G), located in coding exon 43 of the ANK2 gene, results from a C to G substitution at nucleotide position 11392. The proline at codon 3798 is replaced by alanine, an amino acid with highly similar properties. This amino acid position is well conserved in available vertebrate species. In addition, the in silico prediction for this alteration is inconclusive. Since supporting evidence is limited at this time, the clinical significance of this alteration remains unclear.

NM_001148.6(ANK2):c.11392C>G (p.Pro3798Ala)

Gene: ANK2 (ankyrin 2; plus strand). Cytogenetic location: 4q26.
Variant type: single nucleotide variant.
Coding change: c.11392C>G on transcript NM_001148.6 (MANE Select); coding-DNA position 11392, C replaced by G.
Protein change: p.Pro3798Ala; replaces proline 3798 with alanine.
Molecular consequence: missense variant.
Genome position (GRCh38, 1-based): chr4:113,369,587, C>G. VCF-style: chr4-113369587-C-G. GRCh37 (hg19) VCF-style: chr4-114290743-C-G.
Other names: c.5110C>G, p.Pro1704Ala (NM_001127493.3); c.5149C>G, p.Pro1717Ala (NM_001354225.2); c.5038C>G, p.Pro1680Ala (NM_001354228.2, NM_001354258.2); c.5116C>G, p.Pro1706Ala (NM_001354230.2); c.5179C>G, p.Pro1727Ala (NM_001354231.2, NM_001354242.2); c.5173C>G, p.Pro1725Ala (NM_001354232.2); c.5134C>G, p.Pro1712Ala (NM_001354235.2, NM_001354246.2, NM_001354265.2); c.5035C>G, p.Pro1679Ala (NM_001354236.2); and 35 more; short protein forms P1655A, P1670A, P1679A, P1692A, P1696A, P1712A, P1728A, P513A.
Identifiers: ClinVar variation 1730500 (VCV001730500.3), dbSNP rs1483776959, ClinGen allele CA357942619.